The following is an entry in ClinVar:

NM_000428.3(LTBP2):c.4033+1G>C

Gene: LTBP2 (latent transforming growth factor beta binding protein 2; minus strand). Cytogenetic location: 14q24.3.
Variant type: single nucleotide variant.
Coding change: c.4033+1G>C on transcript NM_000428.3 (MANE Select); the canonical splice donor site of the intron after coding-DNA position 4033, G replaced by C.
Molecular consequence: splice donor variant.
Genome position (GRCh38, 1-based): chr14:74,506,697, C>G on the plus strand (G>C on the coding strand, the complement: LTBP2 is on the minus strand). VCF-style: chr14-74506697-C-G. GRCh37 (hg19) VCF-style: chr14-74973400-C-G.
Identifiers: ClinVar variation 2572525 (VCV002572525.2), dbSNP rs2506133762, ClinGen allele CA390386693.

ClinVar aggregate classification (germline): Pathogenic (1 of 4 stars; one submission).

Conditions:
Microspherophakia and/or megalocornea, with ectopia lentis and with or without secondary glaucoma (MSPKA). Identifiers: Orphanet 238763, MedGen C3538951, MONDO:0009633, OMIM 251750.

Submission:

3billion
Classification: Pathogenic for Microspherophakia and/or megalocornea, with ectopia lentis and with or without secondary glaucoma. Last evaluated: 2023-07-25. Review status: criteria provided, single submitter. Criteria: ACMG Guidelines, 2015. Collection method: clinical testing. Allele origin: germline. Affected: yes.
Comment: The variant is not observed in the gnomAD v2.1.1 dataset. Predicted Consequence/Location: Canonical splice site: predicted to alter splicing and result in a loss or disruption of normal protein function. Multiple pathogenic loss-of-function variants are reported downstream of the variant. The variant has been reported to be associated with LTBP2-related disorder (3billion dataset). However, the evidence of pathogenicity is insufficient at this time. Therefore, this variant is classified as Pathogenic according to the recommendation of ACMG/AMP guideline.